The following is an entry in ClinVar:

ClinVar aggregate classification (germline): Uncertain significance. Review status: criteria provided, multiple submitters, no conflicts (2 of 4 stars). 2 submissions from 2 submitters: Uncertain significance (2). Last evaluated 2025-06-09.

Conditions:
Familial thoracic aortic aneurysm and aortic dissection (TAAD). Also called: Thoracic aortic aneurysms and dissections. Identifiers: Orphanet 91387, MedGen C4707243, MONDO:0019625.

Submissions (2):

Color Diagnostics, LLC DBA Color Health
Classification: Uncertain significance for Familial thoracic aortic aneurysm and aortic dissection. Last evaluated: 2025-06-09. Review status: criteria provided, single submitter. Criteria: ACMG Guidelines, 2015. Collection method: clinical testing. Allele origin: germline.
Comment: This missense variant replaces glutamine with arginine at codon 79 of the FBN1 protein. Computational prediction is inconclusive regarding the impact of this variant on protein structure and function. To our knowledge, functional studies have not been reported for this variant. This variant has not been reported in individuals affected with FBN1-related disorders in the literature. This variant has not been identified in the general population by the Genome Aggregation Database (gnomAD). The available evidence is insufficient to determine the role of this variant in disease conclusively. Therefore, this variant is classified as a Variant of Uncertain Significance.

GeneDx
Classification: Uncertain significance. Last evaluated: 2024-09-30. Review status: criteria provided, single submitter. Criteria: GeneDx Variant Classification Process June 2021. Collection method: clinical testing. Allele origin: germline. Affected: yes.
Comment: Not observed at significant frequency in large population cohorts (gnomAD); In silico analysis indicates that this missense variant does not alter protein structure/function; Does not affect a cysteine or calcium-binding residue within an EGF-like domain or a TGF-binding protein domain of the FBN1 gene; cysteine substitutions in the EGF-like domains represent the majority of pathogenic missense changes associated with FBN1-related disorders (PMID: 12938084); This variant is associated with the following publications: (PMID: 12938084, 37625564)

NM_000138.5(FBN1):c.236A>G (p.Gln79Arg)

Gene: FBN1 (fibrillin 1; minus strand). Cytogenetic location: 15q21.1.
Variant type: single nucleotide variant.
Coding change: c.236A>G on transcript NM_000138.5 (MANE Select); coding-DNA position 236, A replaced by G.
Protein change: p.Gln79Arg; replaces glutamine 79 with arginine.
Molecular consequence: missense variant.
Genome position (GRCh38, 1-based): chr15:48,613,021, T>C on the plus strand (A>G on the coding strand, the complement: FBN1 is on the minus strand). VCF-style: chr15-48613021-T-C. GRCh37 (hg19) VCF-style: chr15-48905218-T-C.
Other names: c.236A>G, p.Gln79Arg (NM_001406716.1, NM_001406717.1); short protein forms Q79R.
Identifiers: ClinVar variation 3774846 (VCV003774846.2).